The following is an entry in ClinVar:

ClinVar aggregate classification (germline): Uncertain significance (1 of 4 stars; one submission).

Conditions:
Charcot-Marie-Tooth disease axonal type 2U. Also called: CHARCOT-MARIE-TOOTH NEUROPATHY, TYPE 2U; CHARCOT-MARIE-TOOTH DISEASE, AXONAL, AUTOSOMAL DOMINANT, TYPE 2U. Identifiers: Orphanet 397735, MedGen C4084821, MONDO:0014566, OMIM 616280.
Severe early-onset pulmonary alveolar proteinosis due to MARS deficiency. Also called: PULMONARY ALVEOLAR PROTEINOSIS, REUNION ISLAND; Interstitial lung and liver disease. Identifiers: Orphanet 440427, MedGen C4225400, MONDO:0014206, OMIM 615486.

Submission:

Labcorp Genetics (formerly Invitae), Labcorp
Classification: Uncertain significance for Charcot-Marie-Tooth disease axonal type 2U; Severe early-onset pulmonary alveolar proteinosis due to MARS deficiency. Last evaluated: 2023-07-08. Review status: criteria provided, single submitter. Criteria: Invitae Variant Classification Sherloc (09022015). Collection method: clinical testing. Allele origin: germline.
Comment: In summary, the available evidence is currently insufficient to determine the role of this variant in disease. Therefore, it has been classified as a Variant of Uncertain Significance. This variant has not been reported in the literature in individuals affected with MARS-related conditions. This variant is present in population databases (rs754505518, gnomAD 0.02%). This sequence change creates a premature translational stop signal (p.Lys500Asnfs*8) in the MARS gene. It is expected to result in an absent or disrupted protein product. However, the current clinical and genetic evidence is not sufficient to establish whether loss-of-function variants in MARS cause disease.

NM_004990.4(MARS1):c.1500del (p.Lys500fs)

Gene: MARS1 (methionyl-tRNA synthetase 1; plus strand). Cytogenetic location: 12q13.3.
Variant type: Deletion.
Coding change: c.1500del on transcript NM_004990.4 (MANE Select); coding-DNA position 1500, one base deleted (A; older notation c.1500delA).
Protein change: p.Lys500fs; shifts the reading frame from lysine 500.
Molecular consequence: frameshift variant.
Genome position (GRCh38, 1-based): chr12:57,511,829, A deleted; the last of 3 consecutive A bases (chr12:57,511,827-57,511,829); deleting any one gives the same sequence. VCF-style (leftmost placement, unchanged base first): chr12-57511826-CA-C. GRCh37 (hg19) VCF-style: chr12-57905609-CA-C.
Other names: short protein forms K500fs.
Identifiers: ClinVar variation 2926408 (VCV002926408.3), dbSNP rs754505518, ClinGen allele CA6650532.